The following is an entry in ClinVar:

ClinVar aggregate classification (germline): Uncertain significance (1 of 4 stars; one submission).

Conditions:
Inborn genetic diseases. Identifiers: MedGen C0950123, MeSH D030342.

Submission:

Ambry Genetics
Classification: Uncertain significance for Inborn genetic diseases. Last evaluated: 2024-06-25. Review status: criteria provided, single submitter. Criteria: Ambry Variant Classification Scheme 2023. Collection method: clinical testing. Allele origin: germline.
Comment: The p.L773P variant (also known as c.2318T>C), located in coding exon 18 of the BUB1B gene, results from a T to C substitution at nucleotide position 2318. The leucine at codon 773 is replaced by proline, an amino acid with similar properties. This amino acid position is conserved. In addition, this alteration is predicted to be tolerated by in silico analysis. Based on the available evidence, the clinical significance of this variant remains unclear.

NM_001211.6(BUB1B):c.2318T>C (p.Leu773Pro)

Gene: BUB1B (BUB1 mitotic checkpoint serine/threonine kinase B; plus strand). Cytogenetic location: 15q15.1.
Variant type: single nucleotide variant.
Coding change: c.2318T>C on transcript NM_001211.6 (MANE Select); coding-DNA position 2318, T replaced by C.
Protein change: p.Leu773Pro; replaces leucine 773 with proline.
Molecular consequence: missense variant.
Genome position (GRCh38, 1-based): chr15:40,210,143, T>C. VCF-style: chr15-40210143-T-C. GRCh37 (hg19) VCF-style: chr15-40502344-T-C.
Other names: short protein forms L773P.
Identifiers: ClinVar variation 3483147 (VCV003483147.1).